The following is an entry in ClinVar:

ClinVar aggregate classification (germline): Uncertain significance (1 of 4 stars; one submission).

Conditions:
KMT2D-related disorder. Also called: KMT2D-Related Disorders.

Submission:

PreventionGenetics, part of Exact Sciences
Classification: Uncertain significance for KMT2D-related condition. Last evaluated: 2026-07-15. Review status: criteria provided, single submitter. Criteria: ACMG Guidelines, 2015. Collection method: clinical testing. Allele origin: germline.
Comment: The KMT2D c.10833_10836delinsGCAGCAGCAGCAACAACAGCAACAA variant is predicted to result in an in-frame deletion and insertion. To our knowledge, this variant has not been reported in the literature or in a large population database (gnomAD), indicating this variant is rare. At this time, the clinical significance of this variant is uncertain due to the absence of conclusive functional and genetic evidence.

NM_003482.4(KMT2D):c.10833_10836delinsGCAGCAGCAGCAACAACAGCAACAA (p.Gln3612_His3613insGlnGlnGlnGlnGlnGlnGln)

Gene: KMT2D (lysine methyltransferase 2D; minus strand). Cytogenetic location: 12q13.12.
Variant type: Indel.
Coding change: c.10833_10836delinsGCAGCAGCAGCAACAACAGCAACAA on transcript NM_003482.4 (MANE Select); coding-DNA positions 10833 to 10836, ACAG replaced by GCAGCAGCAGCAACAACAGCAACAA.
Protein change: p.Gln3612_His3613insGlnGlnGlnGlnGlnGlnGln.
Molecular consequence: inframe insertion. On other transcripts: inframe indel (1).
Genome position (GRCh38, 1-based): chr12:49,033,869-49,033,872, CTGT replaced by TTGTTGCTGTTGTTGCTGCTGCTGC on the plus strand (ACAG replaced by GCAGCAGCAGCAACAACAGCAACAA on the coding strand, the reverse complement: KMT2D is on the minus strand). VCF-style: chr12-49033869-CTGT-TTGTTGCTGTTGTTGCTGCTGCTGC. GRCh37 (hg19) VCF-style: chr12-49427652-CTGT-TTGTTGCTGTTGTTGCTGCTGCTGC.
Other names: c.10833_10836delACAGinsGCAGCAGCAGCAACAACAGCAACAA, p.Gln3612_His3613insGlnGlnGlnGlnGlnGlnGln (NM_003482.3).
Identifiers: ClinVar variation 4994914 (VCV004994914.1).